The following is an entry in ClinVar:

ClinVar aggregate classification (germline): Conflicting classifications of pathogenicity. Review status: criteria provided, conflicting classifications (1 of 4 stars). 8 submissions from 8 submitters: Uncertain significance (1); Benign (2); Likely benign (5). Last evaluated 2026-04-01.

Conditions:
Autoinflammatory syndrome. Identifiers: Orphanet 93665, MedGen C3890737, MONDO:0019751.
Familial hemophagocytic lymphohistiocytosis 3 (FHL3). Also called: UNC13D-Related Familial Hemophagocytic Lymphohistiocytosis (UNC13D-fHLH). Identifiers: Orphanet 540, MedGen C1837174, MONDO:0012146, OMIM 608898.

Allele frequency attached by ClinVar (database versions not stated): 1000 Genomes Project 0.00180; 1000 Genomes Project 30x 0.00187; TOPMed 0.00326; ESP Exome Variant Server 0.00509; ExAC 0.00959.
gnomAD v4.1: 9,126 of 1,580,010 alleles (0.58%); highest among the groups gnomAD compares: Non-Finnish European, 0.71%; 29 homozygotes.

Submissions (8):

CeGaT Center for Human Genetics Tuebingen
Classification: Likely benign. Last evaluated: 2026-04-01. Review status: criteria provided, single submitter. Criteria: CeGaT Center For Human Genetics Tuebingen Variant Classification Criteria Version 2. Collection method: clinical testing. Allele origin: germline. Affected: yes. Observed: 5 variant alleles.
Comment: UNC13D: BS2

Labcorp Genetics (formerly Invitae), Labcorp
Classification: Benign for Familial hemophagocytic lymphohistiocytosis 3. Last evaluated: 2026-02-01. Review status: criteria provided, single submitter. Criteria: Invitae Variant Classification Sherloc (09022015). Collection method: clinical testing. Allele origin: germline.

Blueprint Genetics
Classification: Likely benign. Last evaluated: 2024-11-27. Review status: criteria provided, single submitter. Criteria: ACMG Guidelines, 2015. Collection method: clinical testing. Allele origin: germline.

Mayo Clinic Laboratories, Mayo Clinic
Classification: Benign. Last evaluated: 2024-06-11. Review status: criteria provided, single submitter. Criteria: ACMG Guidelines, 2015. Collection method: clinical testing. Allele origin: germline. Observed: 7 variant alleles.
Comment: BS1, BS2

Genome Diagnostics Laboratory, The Hospital for Sick Children
Classification: Likely benign for Autoinflammatory syndrome. Last evaluated: 2021-07-19. Review status: criteria provided, single submitter. Criteria: ACMG Guidelines, 2015. Collection method: clinical testing. Allele origin: germline. Affected: yes.

GeneDx
Classification: Uncertain significance. Last evaluated: 2020-12-08. Review status: criteria provided, single submitter. Criteria: GeneDx Variant Classification Process June 2021. Collection method: clinical testing. Allele origin: germline. Affected: yes.
Comment: In silico analysis supports that this missense variant has a deleterious effect on protein structure/function; Identified in the heterozygous state without a second UNC13D variant in individuals with familial hemophagocytic lymphohistiocytosis in the literature (Zhang et al., 2014); these individuals also had a single heterozygous variant in the PRF1 gene suggesting possible digenic inheritance; Identified in the heterozygous state in patients with suspected bleeding disorders in published literature, although one of the patients also had a variant in the RUNX1 gene (Ferrari et al., 2018); This variant is associated with the following publications: (PMID: 24916509, 28399723)

Illumina Laboratory Services, Illumina
Classification: Likely benign for Familial hemophagocytic lymphohistiocytosis 3. Last evaluated: 2018-01-12. Review status: criteria provided, single submitter. Criteria: ICSL Variant Classification Criteria 13 December 2019. Collection method: clinical testing. Allele origin: germline.
Comment: This variant was observed in the ICSL laboratory as part of a predisposition screen in an ostensibly healthy population. It had not been previously curated by ICSL or reported in the Human Gene Mutation Database (HGMD: prior to June 1st, 2018), and was therefore a candidate for classification through an automated scoring system. Utilizing variant allele frequency, disease prevalence and penetrance estimates, and inheritance mode, an automated score was calculated to assess if this variant is too frequent to cause the disease. Based on the score and internal cut-off values, a variant classified as likely benign is not then subjected to further curation. The score for this variant resulted in a classification of likely benign for this disease.

PreventionGenetics, part of Exact Sciences
Classification: Likely benign. Review status: criteria provided, single submitter. Criteria: ACMG Guidelines, 2015. Collection method: clinical testing. Allele origin: germline.

Literature cited by the submitters: PubMed 24916509 (cited by Mayo Clinic Laboratories, Mayo Clinic); PubMed 28399723 (cited by Mayo Clinic Laboratories, Mayo Clinic).

NM_199242.3(UNC13D):c.2896C>T (p.Arg966Trp)

Genes: UNC13D (unc-13 homolog D; minus strand), LOC112533672 (Sharpr-MPRA regulatory region 1193; plus strand). Cytogenetic location: 17q25.1.
Variant type: single nucleotide variant.
Coding change: c.2896C>T on transcript NM_199242.3 (MANE Select); coding-DNA position 2896, C replaced by T.
Protein change: p.Arg966Trp; replaces arginine 966 with tryptophan.
Molecular consequence: missense variant.
Genome position (GRCh38, 1-based): chr17:75,830,086, G>A on the plus strand (C>T on the coding strand, the complement: UNC13D is on the minus strand). VCF-style: chr17-75830086-G-A. GRCh37 (hg19) VCF-style: chr17-73826167-G-A.
Other names: p.Arg966Trp; short protein forms R966W.
Identifiers: ClinVar variation 263237 (VCV000263237.49), dbSNP rs118049905, ClinGen allele CA8772349.